The following is an entry in ClinVar:

ClinVar aggregate classification (germline): Conflicting classifications of pathogenicity. Review status: criteria provided, conflicting classifications (1 of 4 stars). 2 submissions from 2 submitters: Uncertain significance (1); Likely benign (1). Last evaluated 2024-10-07.

Conditions:
Microcephaly, normal intelligence and immunodeficiency (NBS). Also called: BERLIN BREAKAGE SYNDROME; Ataxia telangiectasia variant V1; IMMUNODEFICIENCY, MICROCEPHALY, AND CHROMOSOMAL INSTABILITY; SEEMANOVA SYNDROME II; Immunodeficiency, microcephaly with normal intelligence; Nijmegen breakage syndrome. Identifiers: Orphanet 647, MedGen C0398791, MONDO:0009623, OMIM 251260.

Allele frequency attached by ClinVar (database versions not stated): gnomAD exomes below 0.00001.
gnomAD v4.1: 2 of 1,600,622 alleles (0.00012%); highest among the groups gnomAD compares: Non-Finnish European, 0.00017%; no homozygotes.

Submissions (2):

GeneDx
Classification: Uncertain significance. Last evaluated: 2024-10-07. Review status: criteria provided, single submitter. Criteria: GeneDx Variant Classification Process June 2021. Collection method: clinical testing. Allele origin: germline. Affected: yes.
Comment: Not observed at significant frequency in large population cohorts (gnomAD); In silico analysis supports a deleterious effect on splicing; Has not been previously published as pathogenic or benign to our knowledge

Labcorp Genetics (formerly Invitae), Labcorp
Classification: Likely benign for Microcephaly, normal intelligence and immunodeficiency. Last evaluated: 2023-10-27. Review status: criteria provided, single submitter. Criteria: Invitae Variant Classification Sherloc (09022015). Collection method: clinical testing. Allele origin: germline.

NM_002485.5(NBN):c.585-13A>G

Gene: NBN (nibrin; minus strand). Cytogenetic location: 8q21.3.
Variant type: single nucleotide variant.
Coding change: c.585-13A>G on transcript NM_002485.5 (MANE Select); 13 bases into the intron before coding-DNA position 585, A replaced by G.
Molecular consequence: intron variant.
Genome position (GRCh38, 1-based): chr8:89,971,303, T>C on the plus strand (A>G on the coding strand, the complement: NBN is on the minus strand). VCF-style: chr8-89971303-T-C. GRCh37 (hg19) VCF-style: chr8-90983531-T-C.
Other names: c.339-13A>G (NM_001024688.3).
Identifiers: ClinVar variation 490057 (VCV000490057.12), dbSNP rs980972703, ClinGen allele CA181276865.